The following is an entry in ClinVar:

NM_001122630.2(CDKN1C):c.599CCCCGG[4] (p.186AP[11])

Gene: CDKN1C (cyclin dependent kinase inhibitor 1C; minus strand). Cytogenetic location: 11p15.4.
Variant type: Microsatellite.
Coding change: c.599CCCCGG[4] on transcript NM_001122630.2 (MANE Select); four copies in a row of the 6-base unit CCCCGG starting at c.599; the reference has three copies in a row; one copy, 6 bases duplicated.
Protein change: p.186AP[11].
Molecular consequence: inframe insertion. On other transcripts: intron variant (1).
Genome position (GRCh38, 1-based): chr11:2,884,841-2,884,846, CCGGGG duplicated on the plus strand (CCCCGG on the coding strand, the reverse complement: CDKN1C is on the minus strand); duplicating any 6 consecutive bases within chr11:2,884,841-2,884,859 gives the same sequence; the position shown is the placement nearest the transcript's 3' end. VCF-style (leftmost placement, unchanged base first): chr11-2884840-T-TCCGGGG. GRCh37 (hg19) VCF-style: chr11-2906070-T-TCCGGGG.
Other names: c.644_649dupCCCCGG (NM_000076.2); c.632CCCCGG[4], p.197AP[11] (NM_000076.2, NM_001362474.2); c.599CCCCGG[4], p.186AP[11] (NM_001122631.2); c.255+344CCCCGG[4] (NM_001362475.2); c.644_649dup6 (NM_000076.2).
Identifiers: ClinVar variation 192358 (VCV000192358.37), dbSNP rs772704243, ClinGen allele CA274883.

ClinVar aggregate classification (germline): Conflicting classifications of pathogenicity. Review status: criteria provided, conflicting classifications (1 of 4 stars). 6 submissions from 6 submitters: Uncertain significance (1); Likely benign (3). 2 of the submissions do not count toward it. Last evaluated 2025-12-30.

Conditions:
CDKN1C-related disorder. Also called: CDKN1C-related condition.
Beckwith-Wiedemann syndrome (BWS). Also called: Exomphalos macroglossia gigantism syndrome; EMG SYNDROME. Identifiers: Orphanet 116, MedGen C0004903, MONDO:0007534, OMIM 130650.

Submissions (6):

Labcorp Genetics (formerly Invitae), Labcorp
Classification: Likely benign for Beckwith-Wiedemann syndrome. Last evaluated: 2025-12-30. Review status: criteria provided, single submitter. Criteria: Invitae Variant Classification Sherloc (09022015). Collection method: clinical testing. Allele origin: germline.

GeneDx
Classification: Uncertain significance. Last evaluated: 2025-07-15. Review status: criteria provided, single submitter. Criteria: GeneDx Variant Classification Process June 2021. Collection method: clinical testing. Allele origin: germline. Affected: yes.
Comment: In-frame duplication of 2 amino acid(s) in a repetitive region with no known function; Observed in a patient with BeckwithWiedemann syndrome (PMID: 26077438); This variant is associated with the following publications: (PMID: 26077438)

Blueprint Genetics
Classification: Likely benign. Last evaluated: 2024-11-07. Review status: criteria provided, single submitter. Criteria: ACMG Guidelines, 2015. Collection method: clinical testing. Allele origin: germline.

CeGaT Center for Human Genetics Tuebingen
Classification: Likely benign. Last evaluated: 2023-05-01. Review status: criteria provided, single submitter. Criteria: CeGaT Center For Human Genetics Tuebingen Variant Classification Criteria Version 2. Collection method: clinical testing. Allele origin: germline. Affected: yes. Observed: 1 variant allele.
Comment: CDKN1C: BS1

PreventionGenetics, part of Exact Sciences
Classification: Likely benign for CDKN1C-related condition. Last evaluated: 2024-05-21. Review status: no assertion criteria provided. Collection method: clinical testing. Allele origin: germline. Not counted in ClinVar's aggregate classification.
Comment: This variant is classified as likely benign based on ACMG/AMP sequence variant interpretation guidelines (Richards et al. 2015 PMID: 25741868, with internal and published modifications).

Centre de Recherche Saint Antoine,  Université Pierre et Marie Curie
Classification: Pathogenic for Beckwith-Wiedemann syndrome. Review status: no assertion criteria provided. Collection method: not provided. Allele origin: unknown. Not counted in ClinVar's aggregate classification.
ClinVar note: Converted during submission from pathogenic to Pathogenic.